The following is an entry in ClinVar:

ClinVar aggregate classification (germline): Uncertain significance (1 of 4 stars; one submission).

Conditions:
Inborn genetic diseases. Identifiers: MedGen C0950123, MeSH D030342.

Submission:

Ambry Genetics
Classification: Uncertain significance for Inborn genetic diseases. Last evaluated: 2023-01-25. Review status: criteria provided, single submitter. Criteria: Ambry Variant Classification Scheme 2023. Collection method: clinical testing. Allele origin: germline.
Comment: The c.4099G>C (p.A1367P) alteration is located in exon 55 (coding exon 55) of the COL11A1 gene. This alteration results from a G to C substitution at nucleotide position 4099, causing the alanine (A) at amino acid position 1367 to be replaced by a proline (P). This variant was not reported in population-based cohorts in the Genome Aggregation Database (gnomAD). This amino acid position is not well conserved in available vertebrate species. This alteration is predicted to be tolerated by in silico analysis. Based on insufficient or conflicting evidence, the clinical significance of this alteration remains unclear.

NM_001854.4(COL11A1):c.4099G>C (p.Ala1367Pro)

Gene: COL11A1 (collagen type XI alpha 1 chain; minus strand). Cytogenetic location: 1p21.1.
Variant type: single nucleotide variant.
Coding change: c.4099G>C on transcript NM_001854.4 (MANE Select); coding-DNA position 4099, G replaced by C.
Protein change: p.Ala1367Pro; replaces alanine 1367 with proline.
Molecular consequence: missense variant. On other transcripts: non-coding transcript variant (1).
Genome position (GRCh38, 1-based): chr1:102,898,982, C>G on the plus strand (G>C on the coding strand, the complement: COL11A1 is on the minus strand). VCF-style: chr1-102898982-C-G. GRCh37 (hg19) VCF-style: chr1-103364538-C-G.
Other names: c.3751G>C, p.Ala1251Pro (NM_001168249.1, NM_080630.4); c.3982G>C, p.Ala1328Pro (NM_001190709.2); c.4135G>C, p.Ala1379Pro (NM_080629.3); short protein forms A1251P, A1367P, A1379P, A1328P.
Identifiers: ClinVar variation 2473732 (VCV002473732.2), dbSNP rs2524339829, ClinGen allele CA341155818.
Genomic context (GRCh38, chr1:102,898,982, plus strand): 5'-TATATTATTTTTTTTTTACCTTAGCACCTTTTTCACCTTGTCTTCCCTCTGCACCTGCAG[C>G]TCCAGGAGGACCCTATAGACATAAGATTTATTGTAAAATATGTATCACATATAAAAGTAA-3'
Protein context (NP_001845.3, residues 1357-1377): GPPGKRGPPG[Ala1367Pro]AGAEGRQGEK